The following is an entry in ClinVar:

ClinVar aggregate classification (germline): Uncertain significance (1 of 4 stars; one submission).

Conditions:
Combined immunodeficiency due to ZAP70 deficiency (IMD48). Also called: Immunodeficiency 48; ZAP70 Deficiency. Identifiers: Orphanet 911, MedGen C2931299, MONDO:0010023, OMIM 269840.

Allele frequency attached by ClinVar (database versions not stated): gnomAD exomes 0.00004 and 0.00009; gnomAD 0.00009 and 0.00010; TOPMed 0.00011; ExAC 0.00013; 1000 Genomes Project 30x 0.00016; 1000 Genomes Project 0.00020.
gnomAD v4.1: 78 of 1,612,496 alleles (0.0048%); highest among the groups gnomAD compares: African/African-American, 0.032%; 1 homozygote.

Submission:

Labcorp Genetics (formerly Invitae), Labcorp
Classification: Uncertain significance for Combined immunodeficiency due to ZAP70 deficiency. Last evaluated: 2022-07-12. Review status: criteria provided, single submitter. Criteria: Invitae Variant Classification Sherloc (09022015). Collection method: clinical testing. Allele origin: germline.
Comment: In summary, the available evidence is currently insufficient to determine the role of this variant in disease. Therefore, it has been classified as a Variant of Uncertain Significance. Variants that disrupt the consensus splice site are a relatively common cause of aberrant splicing (PMID: 17576681, 9536098). Algorithms developed to predict the effect of sequence changes on RNA splicing suggest that this variant is not likely to affect RNA splicing. ClinVar contains an entry for this variant (Variation ID: 1050897). This variant has not been reported in the literature in individuals affected with ZAP70-related conditions. This variant is present in population databases (rs56133341, gnomAD 0.04%). This sequence change falls in intron 6 of the ZAP70 gene. It does not directly change the encoded amino acid sequence of the ZAP70 protein. It affects a nucleotide within the consensus splice site.

Literature cited by the submitters: PubMed 17576681; PubMed 9536098.

NM_001079.4(ZAP70):c.790+5C>T

Gene: ZAP70 (zeta chain of T cell receptor associated protein kinase 70; plus strand). Cytogenetic location: 2q11.2.
Variant type: single nucleotide variant.
Coding change: c.790+5C>T on transcript NM_001079.4 (MANE Select); 5 bases into the intron after coding-DNA position 790, C replaced by T.
Molecular consequence: intron variant.
Genome position (GRCh38, 1-based): chr2:97,733,217, C>T. VCF-style: chr2-97733217-C-T. GRCh37 (hg19) VCF-style: chr2-98349680-C-T.
Other names: c.790+5C>T (NM_001378594.1).
Identifiers: ClinVar variation 1050897 (VCV001050897.7), dbSNP rs56133341, ClinGen allele CA1790209.